The following is an entry in ClinVar:

ClinVar aggregate classification (germline): Benign (1 of 4 stars; one submission).

Conditions:
Leigh syndrome (NULS). Also called: Leigh's necrotizing encephalopathy; Leigh's disease; Leigh's syndrome; LEIGH SYNDROME, NUCLEAR; Leigh Syndrome (mtDNA deletion); Leigh Disease. Identifiers: Orphanet 506, MedGen C2931891, MONDO:0009723, OMIM 256000.

Submission:

Wong Mito Lab, Molecular and Human Genetics, Baylor College of Medicine
Classification: Benign for Leigh syndrome. Last evaluated: 2019-10-17. Review status: criteria provided, single submitter. Criteria: Modified ACMG Guidelines (Unpublished). Collection method: clinical testing. Allele origin: germline.
Comment: The NC_012920.1:m.13862A>G (YP_003024036.1:p.Asn509Ser) variant in MTND5 gene is interpretated to be a Benign variant based on the modified ACMG guidelines (unpublished). This variant meets the following evidence codes: BS1, BS2, BP4

NC_012920.1(MT-ND5):m.13862A>G

Gene: MT-ND5 (mitochondrially encoded NADH dehydrogenase 5; plus strand).
Variant type: single nucleotide variant.
Genome position: chrM-13862-A-G.
Identifiers: ClinVar variation 693621 (VCV000693621.1), dbSNP rs1603224389, ClinGen allele CA414819834.